The following is an entry in ClinVar:

ClinVar aggregate classification (germline): Benign. Review status: criteria provided, multiple submitters, no conflicts (2 of 4 stars). 4 submissions from 4 submitters: Benign (3). 1 of the submissions does not count toward it. Last evaluated 2026-01-06.

Conditions:
COL8A2-related disorder. Also called: COL8A2-related condition.

Allele frequency attached by ClinVar (database versions not stated): gnomAD 0.01362 and 0.01618; TOPMed 0.01758; 1000 Genomes Project 30x 0.05653; 1000 Genomes Project 0.05871.

Submissions (4):

Labcorp Genetics (formerly Invitae), Labcorp
Classification: Benign. Last evaluated: 2026-01-06. Review status: criteria provided, single submitter. Criteria: Invitae Variant Classification Sherloc (09022015). Collection method: clinical testing. Allele origin: germline.

GeneDx
Classification: Benign. Last evaluated: 2018-08-25. Review status: criteria provided, single submitter. Criteria: GeneDx Variant Classification Process June 2021. Collection method: clinical testing. Allele origin: germline. Affected: yes.

Breakthrough Genomics
Classification: Benign. Review status: criteria provided, single submitter. Criteria: ACMG Guidelines, 2015. Collection method: not provided. Allele origin: germline. Inheritance: Autosomal dominant inheritance. Affected: yes.

PreventionGenetics, part of Exact Sciences
Classification: Benign for COL8A2-related condition. Last evaluated: 2019-09-10. Review status: no assertion criteria provided. Collection method: clinical testing. Allele origin: germline. Not counted in ClinVar's aggregate classification.
Comment: This variant is classified as benign based on ACMG/AMP sequence variant interpretation guidelines (Richards et al. 2015 PMID: 25741868, with internal and published modifications).

NM_005202.4(COL8A2):c.1505C>T (p.Thr502Met)

Gene: COL8A2 (collagen type VIII alpha 2 chain; minus strand). Cytogenetic location: 1p34.3.
Variant type: single nucleotide variant.
Coding change: c.1505C>T on transcript NM_005202.4 (MANE Select); coding-DNA position 1505, C replaced by T.
Protein change: p.Thr502Met; replaces threonine 502 with methionine.
Molecular consequence: missense variant.
Genome position (GRCh38, 1-based): chr1:36,098,176, G>A on the plus strand (C>T on the coding strand, the complement: COL8A2 is on the minus strand). VCF-style: chr1-36098176-G-A. GRCh37 (hg19) VCF-style: chr1-36563777-G-A.
Other names: c.1310C>T, p.Thr437Met (NM_001294347.2); c.1505C>T (NM_005202.3); short protein forms T437M, T502M.
Identifiers: ClinVar variation 1287683 (VCV001287683.12), dbSNP rs117860804, ClinGen allele CA764946.